The following is an entry in ClinVar:

ClinVar aggregate classification (germline): Likely benign. Review status: criteria provided, multiple submitters, no conflicts (2 of 4 stars). 4 submissions from 4 submitters: Likely benign (3). 1 of the submissions does not count toward it. Last evaluated 2018-11-15.

Conditions:
FOXP1-related disorder. Also called: FOXP1-related condition.

Allele frequency attached by ClinVar (database versions not stated): ExAC 0.00184; gnomAD exomes 0.00580 and 0.00228; 1000 Genomes Project 30x 0.00843; gnomAD 0.00298 and 0.00352; TOPMed 0.00332; 1000 Genomes Project 0.00919.
gnomAD v4.1: 3,733 of 1,532,252 alleles (0.24%); highest among the groups gnomAD compares: East Asian, 5.4%; 75 homozygotes.

Submissions (5):

GeneDx
Classification: Likely benign. Last evaluated: 2018-11-15. Review status: criteria provided, single submitter. Criteria: GeneDx Variant Classification Process June 2021. Collection method: clinical testing. Allele origin: germline. Affected: yes.

Center for Pediatric Genomic Medicine, Children's Mercy Hospital and Clinics
Classification: Likely benign. Last evaluated: 2016-09-14. Review status: criteria provided, single submitter. Criteria: ACMG Guidelines, 2015. Collection method: clinical testing. Allele origin: germline.
ClinVar note: Converted during submission from Likely Benign to Likely benign.

Breakthrough Genomics
Classification: Likely benign. Review status: criteria provided, single submitter. Criteria: ACMG Guidelines, 2015. Collection method: not provided. Allele origin: germline. Inheritance: Autosomal dominant inheritance. Affected: yes.

PreventionGenetics, part of Exact Sciences
Classification: Benign for FOXP1-related condition. Last evaluated: 2021-08-20. Review status: no assertion criteria provided. Collection method: clinical testing. Allele origin: germline. Not counted in ClinVar's aggregate classification.
Comment: This variant is classified as benign based on ACMG/AMP sequence variant interpretation guidelines (Richards et al. 2015 PMID: 25741868, with internal and published modifications).

Dr. Peter K. Rogan Lab, Western University
No classification provided (evidence only). Condition: Sarcoma. Review status: no classification provided. Collection method: in vitro. Allele origin: not applicable. Functional consequence: retained intron. Not counted in ClinVar's aggregate classification.

NM_001349338.3(FOXP1):c.1652+403A>G

Gene: FOXP1 (forkhead box P1; minus strand). Cytogenetic location: 3p13.
Variant type: single nucleotide variant.
Coding change: c.1652+403A>G on transcript NM_001349338.3 (MANE Select); 403 bases into the intron after coding-DNA position 1652, A replaced by G.
Molecular consequence: intron variant. On other transcripts: missense variant (1).
Genome position (GRCh38, 1-based): chr3:70,972,152, T>C on the plus strand (A>G on the coding strand, the complement: FOXP1 is on the minus strand). VCF-style: chr3-70972152-T-C. GRCh37 (hg19) VCF-style: chr3-71021303-T-C.
Other names: NC_000003.11:g.71021303T>C; c.1559A>G (NM_001244810.1); c.1559A>G, p.His520Arg (NM_001244810.2); c.1652+403A>G (NM_032682.6, NM_001349340.3, NM_001244816.2 and 1 more transcripts); c.1649+403A>G (NM_001349341.3, NM_001244808.3); c.1424+403A>G (NM_001244812.3); c.1349+403A>G (NM_001349343.3, NM_001349337.2, NM_001370548.1 and 1 more transcripts); c.1352+403A>G (NM_001349342.3, NM_001244815.2, NM_001244813.3); short protein forms H520R.
Identifiers: ClinVar variation 376816 (VCV000376816.8), dbSNP rs76145927, ClinGen allele CA2490899.